The following is an entry in ClinVar:

NM_016292.3(TRAP1):c.187_190dup (p.Ala64fs)

Gene: TRAP1 (TNF receptor associated protein 1; minus strand). Cytogenetic location: 16p13.3.
Variant type: Duplication.
Coding change: c.187_190dup on transcript NM_016292.3 (MANE Select); coding-DNA positions 187 to 190, 4 bases duplicated (ACCG; older notation c.187_190dupACCG).
Protein change: p.Ala64fs; shifts the reading frame from alanine 64.
Molecular consequence: frameshift variant. On other transcripts: intron variant (1).
Genome position (GRCh38, 1-based): chr16:3,690,884-3,690,887, CGGT duplicated on the plus strand (ACCG on the coding strand, the reverse complement: TRAP1 is on the minus strand); duplicating any 4 consecutive bases within chr16:3,690,884-3,690,888 gives the same sequence; the c. name uses the placement nearest the transcript's 3' end. VCF-style (leftmost placement, unchanged base first): chr16-3690883-G-GCGGT. GRCh37 (hg19) VCF-style: chr16-3740884-G-GCGGT.
Other names: c.89-1750_89-1747dup (NM_001272049.2); short protein forms A64fs.
Identifiers: ClinVar variation 3697433 (VCV003697433.2).

ClinVar aggregate classification (germline): Uncertain significance (1 of 4 stars; one submission).

Submission:

Labcorp Genetics (formerly Invitae), Labcorp
Classification: Uncertain significance. Last evaluated: 2024-09-23. Review status: criteria provided, single submitter. Criteria: Invitae Variant Classification Sherloc (09022015). Collection method: clinical testing. Allele origin: germline.
Comment: This sequence change creates a premature translational stop signal (p.Ala64Aspfs*27) in the TRAP1 gene. It is expected to result in an absent or disrupted protein product. However, the current clinical and genetic evidence is not sufficient to establish whether loss-of-function variants in TRAP1 cause disease. This variant is present in population databases (rs536712841, gnomAD 0.02%). This variant has not been reported in the literature in individuals affected with TRAP1-related conditions. In summary, the available evidence is currently insufficient to determine the role of this variant in disease. Therefore, it has been classified as a Variant of Uncertain Significance.